The following is an entry in ClinVar:

NM_012184.5(FOXD4L1):c.668C>T (p.Ala223Val)

Gene: FOXD4L1 (forkhead box D4 like 1; plus strand). Cytogenetic location: 2q14.1.
Variant type: single nucleotide variant.
Coding change: c.668C>T on transcript NM_012184.5 (MANE Select); coding-DNA position 668, C replaced by T.
Protein change: p.Ala223Val; replaces alanine 223 with valine.
Molecular consequence: missense variant.
Genome position (GRCh38, 1-based): chr2:113,499,924, C>T. VCF-style: chr2-113499924-C-T. GRCh37 (hg19) VCF-style: chr2-114257501-C-T.
Other names: short protein forms A223V.
Identifiers: ClinVar variation 4840281 (VCV004840281.1).
Genomic context (GRCh38, chr2:113,499,924, plus strand): 5'-TCAAGCGCCACCAACTGACCCCGGGAGCCCACCTGCCCCACCCCTTCCCTCTACCTGCTG[C>T]ACACGCCGCCCTGCACAACCCCCGCCCAGGCCCTCTGCTTGGGGCCCCTGCCCTGCCGCA-3'
Protein context (NP_036316.1, residues 213-233): HLPHPFPLPA[Ala223Val]HAALHNPRPG

ClinVar aggregate classification (germline): Uncertain significance (1 of 4 stars; one submission).

Submission:

Ambry Genetics
Classification: Uncertain significance. Last evaluated: 2026-02-23. Review status: criteria provided, single submitter. Criteria: Ambry Variant Classification Scheme 2023. Collection method: clinical testing. Allele origin: germline.
Comment: The c.668C>T (p.A223V) alteration is located in exon 1 (coding exon 1) of the FOXD4L1 gene. This alteration results from a C to T substitution at nucleotide position 668, causing the alanine (A) at amino acid position 223 to be replaced by a valine (V). Based on data from gnomAD, the T allele has an overall frequency of <0.001% (1/214258) total alleles studied. The highest observed frequency was 0.004% (1/28692) of South Asian alleles. Based on insufficient or conflicting evidence, the clinical significance of this alteration remains unclear.